The following is an entry in ClinVar:

NM_003235.5(TG):c.4537G>T (p.Asp1513Tyr)

Gene: TG (thyroglobulin; plus strand). Cytogenetic location: 8q24.22.
Variant type: single nucleotide variant.
Coding change: c.4537G>T on transcript NM_003235.5 (MANE Select); coding-DNA position 4537, G replaced by T.
Protein change: p.Asp1513Tyr; replaces aspartic acid 1513 with tyrosine.
Molecular consequence: missense variant.
Genome position (GRCh38, 1-based): chr8:132,923,346, G>T. VCF-style: chr8-132923346-G-T. GRCh37 (hg19) VCF-style: chr8-133935591-G-T.
Other names: short protein forms D1513Y.
Identifiers: ClinVar variation 709940 (VCV000709940.14), dbSNP rs114305064, ClinGen allele CA4884168.

ClinVar aggregate classification (germline): Conflicting classifications of pathogenicity. Review status: criteria provided, conflicting classifications (1 of 4 stars). 4 submissions from 4 submitters: Uncertain significance (2); Likely benign (1). 1 of the submissions does not count toward it. Last evaluated 2025-05-08.

Conditions:
Inborn genetic diseases. Identifiers: MedGen C0950123, MeSH D030342.
TG-related disorder. Also called: TG-related condition; TG-related disorders.

Allele frequency attached by ClinVar (database versions not stated): TOPMed 0.00124; gnomAD 0.00128 and 0.00120; ESP Exome Variant Server 0.00200; gnomAD exomes 0.00040; ExAC 0.00047; 1000 Genomes Project 30x 0.00094; 1000 Genomes Project 0.00100.
gnomAD v4.1: 367 of 1,614,124 alleles (0.023%); highest among the groups gnomAD compares: African/African-American, 0.42%; 2 homozygotes.

Submissions (4):

GeneDx
Classification: Uncertain significance. Last evaluated: 2025-05-08. Review status: criteria provided, single submitter. Criteria: GeneDx Variant Classification Process June 2021. Collection method: clinical testing. Allele origin: germline. Affected: yes.
Comment: In silico analysis supports that this missense variant has a deleterious effect on protein structure/function; Has not been previously published as pathogenic or benign to our knowledge; In silico analysis is inconclusive as to whether the variant alters gene splicing. In the absence of RNA/functional studies, the actual effect of this sequence change is unknown.

Ambry Genetics
Classification: Uncertain significance for Inborn genetic diseases. Last evaluated: 2024-04-23. Review status: criteria provided, single submitter. Criteria: Ambry Variant Classification Scheme 2023. Collection method: clinical testing. Allele origin: germline.

Labcorp Genetics (formerly Invitae), Labcorp
Classification: Likely benign. Last evaluated: 2024-03-24. Review status: criteria provided, single submitter. Criteria: Invitae Variant Classification Sherloc (09022015). Collection method: clinical testing. Allele origin: germline.

PreventionGenetics, part of Exact Sciences
Classification: Likely benign for TG-related condition. Last evaluated: 2023-12-27. Review status: no assertion criteria provided. Collection method: clinical testing. Allele origin: germline. Not counted in ClinVar's aggregate classification.
Comment: This variant is classified as likely benign based on ACMG/AMP sequence variant interpretation guidelines (Richards et al. 2015 PMID: 25741868, with internal and published modifications).